The following is an entry in ClinVar:

ClinVar aggregate classification (germline): Pathogenic. Review status: criteria provided, single submitter (1 of 4 stars). 2 submissions from 1 submitter: Pathogenic (1). 1 of the submissions does not count toward it. Last evaluated 2022-05-13.

Conditions:
RASopathy. Also called: Noonan spectrum disorder; rasopathies. Identifiers: Orphanet 536391, MedGen C5555857, MONDO:0021060.
DPAGT1-congenital disorder of glycosylation. Also called: CONGENITAL DISORDER OF GLYCOSYLATION, TYPE Ij; CDG Ij; DPAGT1-CDG. Identifiers: Orphanet 86309, MedGen C2931004, MONDO:0011964, OMIM 608093.
Congenital myasthenic syndrome 13 (CMS13). Also called: Myasthenic syndrome, congenital, with tubular aggregates 2; Myasthenic syndrome, congenital, 13, with tubular aggregates. Identifiers: Orphanet 353327, Orphanet 590, MedGen C3553645, MONDO:0013883, OMIM 614750.

Submissions (2):

Labcorp Genetics (formerly Invitae), Labcorp
Classification: Pathogenic for Congenital myasthenic syndrome 13; DPAGT1-congenital disorder of glycosylation. Last evaluated: 2022-05-13. Review status: criteria provided, single submitter. Criteria: Invitae Variant Classification Sherloc (09022015). Collection method: clinical testing. Allele origin: germline.
Comment: For these reasons, this variant has been classified as Pathogenic. A gross deletion of the genomic region encompassing the full coding sequence of the DPAGT1 gene has been identified. Loss-of-function variants in DPAGT1 are known to be pathogenic (PMID: 22742743). The boundaries of this event are unknown as they extend beyond the assayed region for this gene and therefore may encompass additional genes. This variant has not been reported in the literature in individuals affected with DPAGT1-related conditions.

Labcorp Genetics (formerly Invitae), Labcorp
Classification: Uncertain significance for RASopathy. Last evaluated: 2022-05-13. Review status: flagged submission. Criteria: Invitae Variant Classification Sherloc (09022015). Collection method: clinical testing. Allele origin: germline. Not counted in ClinVar's aggregate classification.
Comment: A gross deletion of the genomic region encompassing the full coding sequence of the CBL gene has been identified. The current clinical and genetic evidence is not sufficient to establish whether loss-of-function variants in CBL cause disease. The boundaries of this event are unknown as they extend beyond the assayed region for this gene and therefore may encompass additional genes. This variant has not been reported in the literature in individuals affected with CBL-related conditions. In summary, the available evidence is currently insufficient to determine the role of this variant in disease. Therefore, it has been classified as a Variant of Uncertain Significance.
ClinVar note: Notes: Submitter has multiple conflicting submissions that are gene-specific for a deletion spanning multiple genes. The presence of at least one dosage-sensitive gene is enough to call the overall CNV pathogenic.
ClinVar note: Reason: Other

Literature cited by the submitters: PubMed 22742743.

NC_000011.9:g.(?_118967698)_(119170501_?)del

Genes: CBL (Cbl proto-oncogene; plus strand), NHERF4 (NHERF family PDZ scaffold protein 4; plus strand), HINFP (histone H4 transcription factor; plus strand), NLRX1 (NLR family member X1; plus strand), C2CD2L (C2CD2 like; plus strand) and 3 more. Cytogenetic location: 11q23.3.
Variant type: Deletion.
Identifiers: ClinVar variation 652390 (VCV000652390.9).